The following is an entry in ClinVar:

NM_015570.4(AUTS2):c.478C>T (p.Gln160Ter)

Gene: AUTS2 (activator of transcription and developmental regulator AUTS2; plus strand). Cytogenetic location: 7q11.22.
Variant type: single nucleotide variant.
Coding change: c.478C>T on transcript NM_015570.4 (MANE Select); coding-DNA position 478, C replaced by T.
Protein change: p.Gln160Ter; replaces glutamine 160 with a stop codon.
Molecular consequence: nonsense.
Genome position (GRCh38, 1-based): chr7:69,899,454, C>T. VCF-style: chr7-69899454-C-T. GRCh37 (hg19) VCF-style: chr7-69364440-C-T.
Other names: c.478C>T, p.Gln160Ter (NM_001127231.3, NM_001127232.3); short protein forms Q160*.
Identifiers: ClinVar variation 1325531 (VCV001325531.1), dbSNP rs2129540473, ClinGen allele CA367703685.

ClinVar aggregate classification (germline): Likely pathogenic (1 of 4 stars; one submission).

Conditions:
Autism spectrum disorder due to AUTS2 deficiency (MRD26). Also called: INTELLECTUAL DEVELOPMENTAL DISORDER, AUTOSOMAL DOMINANT 26. Identifiers: Orphanet 352490, MedGen C4014435, MONDO:0014361, OMIM 615834.

Submission:

New York Genome Center
Classification: Likely pathogenic for Autism spectrum disorder due to AUTS2 deficiency. Last evaluated: 2020-06-26. Review status: criteria provided, single submitter. Criteria: NYGC Assertion Criteria 2020. Collection method: clinical testing. Allele origin: de novo. Observed: 1 heterozygote. Study: CSER-NYCKidSeq.
Comment: The de novo c.478C>T p.Gln160Ter nonsense variant truncates the long isoform of AUTS2 in the 5’ coding exon 2 of 19. This variant has not been seen in affected individuals in the available literature, however pathogenic variants 5’ of this variant have been reported in affected individuals (PMID: 27075013; PMID: 25851617; Clinvar Variation ID: 559629, 620261). This variant is not found in gnomAD indicating it is not a common benign variant in the populations represented in this database. Given the available evidences, the c.478C>T (p.Gln160Ter) variant identified in the AUTS2 gene is reported here as Likely Pathogenic.